The following is an entry in ClinVar:

NM_025081.3(NYNRIN):c.3955C>G (p.Arg1319Gly)

Gene: NYNRIN (NYN domain and retroviral integrase containing; plus strand). Cytogenetic location: 14q12.
Variant type: single nucleotide variant.
Coding change: c.3955C>G on transcript NM_025081.3 (MANE Select); coding-DNA position 3955, C replaced by G.
Protein change: p.Arg1319Gly; replaces arginine 1319 with glycine.
Molecular consequence: missense variant.
Genome position (GRCh38, 1-based): chr14:24,415,704, C>G. VCF-style: chr14-24415704-C-G. GRCh37 (hg19) VCF-style: chr14-24884910-C-G.
Other names: short protein forms R1319G.
Identifiers: ClinVar variation 4714011 (VCV004714011.1).

ClinVar aggregate classification (germline): Uncertain significance (1 of 4 stars; one submission).

gnomAD v4.1: 1 of 1,613,936 alleles (0.000062%); highest among the groups gnomAD compares: Non-Finnish European, 0.000085%; no homozygotes.

Submission:

Labcorp Genetics (formerly Invitae), Labcorp
Classification: Uncertain significance. Last evaluated: 2025-12-08. Review status: criteria provided, single submitter. Criteria: Invitae Variant Classification Sherloc (09022015). Collection method: clinical testing. Allele origin: germline.
Comment: This sequence change replaces arginine, which is basic and polar, with glycine, which is neutral and non-polar, at codon 1319 of the NYNRIN protein (p.Arg1319Gly). This variant is not present in population databases (gnomAD no frequency). This variant has not been reported in the literature in individuals affected with NYNRIN-related conditions. Experimental studies and prediction algorithms are not available or were not evaluated, and the functional significance of this variant is currently unknown. Algorithms developed to predict the effect of sequence changes on RNA splicing suggest that this variant may create or strengthen a splice site. In summary, the available evidence is currently insufficient to determine the role of this variant in disease. Therefore, it has been classified as a Variant of Uncertain Significance.